The following is an entry in ClinVar:

NM_006517.5(SLC16A2):c.454G>T (p.Gly152Cys)

Gene: SLC16A2 (solute carrier family 16 member 2; plus strand). Cytogenetic location: Xq13.2.
Variant type: single nucleotide variant.
Coding change: c.454G>T on transcript NM_006517.5 (MANE Select); coding-DNA position 454, G replaced by T.
Protein change: p.Gly152Cys; replaces glycine 152 with cysteine.
Molecular consequence: missense variant.
Genome position (GRCh38, 1-based): chrX:74,521,013, G>T. VCF-style: chrX-74521013-G-T. GRCh37 (hg19) VCF-style: chrX-73740848-G-T.
Other names: short protein forms G152C.
Identifiers: ClinVar variation 3062351 (VCV003062351.2).

ClinVar aggregate classification (germline): Likely pathogenic (0 of 4 stars; one submission).

Conditions:
Allan-Herndon-Dudley syndrome (AHDS). Also called: MENTAL RETARDATION AND MUSCULAR ATROPHY; T3 RESISTANCE; TRIIODOTHYRONINE RESISTANCE; Passos-Bueno syndrome; ALLAN-HERNDON SYNDROME. Identifiers: Orphanet 59, MedGen C0795889, MONDO:0010354, OMIM 300523.

Submission:

Hainan Provincial Key Laboratory for Human Reproductive Medicine and Genetic Research
Classification: Likely pathogenic for Allan-Herndon-Dudley syndrome. Review status: no assertion criteria provided. Collection method: clinical testing. Allele origin: maternal. Inheritance: X-linked inheritance. Affected: yes. Observed: 1 hemizygote.
Comment: This variant is interpreted as a Likely Pathogenic, for Allan-Herndon-Dudley syndrome, in X-linked recessive manner(PP4). DNA sequence analysis of the SLC16A2 gene demonstrated a sequence change, c.454G>T, in exon 2 that results in an amino acid change, p.Gly152Cys. The p.Gly152Cys change affects a moderately conserved amino acid residue located in a domain of the SLC16A2 protein that is known to be functional. The p.Gly152Cys substitution appears to be possibly damaging using several in-silico pathogenicity prediction tools (SIFT, PolyPhen2, CADD, REVEL)(PP3). This sequence change is absent from the gnomAD population database. This variant was not found in dbSNP, 1,000 genomes, gnomAD, ClinVar, UniProt, and HGMD databases(PM2). The mutation is located at the mutation hotspot (c.454G>T), and there are known pathogenic mutations with higher frequencies in multiple adjacent residues(PM1).